The following is an entry in ClinVar:

NM_002281.4(KRT81):c.846T>A (p.Tyr282Ter)

Genes: KRT86 (keratin 86; plus strand), KRT81 (keratin 81; minus strand). Cytogenetic location: 12q13.13.
Variant type: single nucleotide variant.
Coding change: c.846T>A on transcript NM_002281.4 (MANE Select); coding-DNA position 846, T replaced by A.
Protein change: p.Tyr282Ter; replaces tyrosine 282 with a stop codon.
Molecular consequence: nonsense. On other transcripts: intron variant (1).
Genome position (GRCh38, 1-based): chr12:52,288,038, A>T on the plus strand (T>A on the coding strand, the complement: KRT81 is on the minus strand). VCF-style: chr12-52288038-A-T. GRCh37 (hg19) VCF-style: chr12-52681822-A-T.
Other names: c.-5+12092A>T (NM_001320198.2); short protein forms Y282*.
Identifiers: ClinVar variation 561048 (VCV000561048.31), dbSNP rs138597671, ClinGen allele CA6576526.

ClinVar aggregate classification (germline): Conflicting classifications of pathogenicity. Review status: criteria provided, conflicting classifications (1 of 4 stars). 8 submissions from 8 submitters: Pathogenic (2); Uncertain significance (6). Last evaluated 2025-06-03.

Conditions:
Monilethrix-1. Identifiers: MedGen C6012688, MONDO:0700343, OMIM 158000.
Monilethrix. Also called: Beaded hair. Identifiers: Orphanet 573, MedGen C0546966, MONDO:0008009, HP:0032470.

Allele frequency attached by ClinVar (database versions not stated): 1000 Genomes Project 30x 0.00047; 1000 Genomes Project 0.00060; TOPMed 0.00091; gnomAD 0.00092; ExAC 0.00114; ESP Exome Variant Server 0.00131.
gnomAD v4.1: 1,874 of 1,614,200 alleles (0.12%); highest among the groups gnomAD compares: Admixed American, 0.16%; 7 homozygotes.

Submissions (8):

GeneDx
Classification: Uncertain significance. Last evaluated: 2025-06-03. Review status: criteria provided, single submitter. Criteria: GeneDx Variant Classification Process June 2021. Collection method: clinical testing. Allele origin: germline. Affected: yes.
Comment: Nonsense variant predicted to result in protein truncation or nonsense mediated decay in a gene or region of a gene for which loss-of-function is not an established mechanism of disease; Has not been previously published as pathogenic or benign in association with KRT81-related monilethrix to our knowledge; This variant is associated with the following publications: (PMID: 31589614, 29531218)

Dasa
Classification: Uncertain significance. Last evaluated: 2024-07-29. Review status: criteria provided, single submitter. Criteria: DASA Assertion Criteria. Collection method: clinical testing. Allele origin: germline.
Comment: NM_002281.4(KRT81):c.846T>A (p.Tyr282Ter) introduces a premature termination codon predicted to result in loss of normal protein function. Loss-of-function is an established mechanism of disease for this gene. The variant is present at low frequency in population datasets. Based on the available data, this variant is classified as variant of uncertain significance.

CeGaT Center for Human Genetics Tuebingen
Classification: Uncertain significance. Last evaluated: 2024-06-01. Review status: criteria provided, single submitter. Criteria: CeGaT Center For Human Genetics Tuebingen Variant Classification Criteria Version 2. Collection method: clinical testing. Allele origin: germline. Affected: yes. Observed: 1 variant allele.

Department of Pathology and Laboratory Medicine, Sinai Health System
Classification: Uncertain significance for Monilethrix-1. Last evaluated: 2023-02-03. Review status: criteria provided, single submitter. Criteria: ACMG Guidelines, 2015. Collection method: research. Allele origin: germline.

Mendelics
Classification: Pathogenic for Monilethrix-1. Last evaluated: 2022-05-04. Review status: criteria provided, single submitter. Criteria: Mendelics Assertion Criteria 2019. Collection method: clinical testing. Allele origin: germline.

Institute for Clinical Genetics, University Hospital TU Dresden, University Hospital TU Dresden
Classification: Uncertain significance. Last evaluated: 2021-11-03. Review status: criteria provided, single submitter. Criteria: ACMG Guidelines, 2015. Collection method: clinical testing. Allele origin: germline.

Genome-Nilou Lab
Classification: Uncertain significance for Monilethrix-1. Last evaluated: 2021-05-12. Review status: criteria provided, single submitter. Criteria: ACMG Guidelines, 2015. Collection method: clinical testing. Allele origin: germline. Affected: no.

Baylor Genetics
Classification: Pathogenic for Monilethrix-1. Last evaluated: 2017-09-01. Review status: criteria provided, single submitter. Criteria: ACMG Guidelines, 2015. Collection method: clinical testing. Allele origin: maternal. Inheritance: Autosomal dominant inheritance.
Comment: However, mutations associated with monilethrix have been missense. While reduced penetrance has been reported for the condition, our lab has identified this variant in 18 additional individuals without mention of brittle/sparse hair.

Literature cited by the submitters: PubMed 25326635 (cited by Baylor Genetics).